The following is an entry in ClinVar:

NM_003242.6(TGFBR2):c.1126G>C (p.Val376Leu)

Gene: TGFBR2 (transforming growth factor beta receptor 2; plus strand). Cytogenetic location: 3p24.1.
Variant type: single nucleotide variant.
Coding change: c.1126G>C on transcript NM_003242.6 (MANE Select); coding-DNA position 1126, G replaced by C.
Protein change: p.Val376Leu; replaces valine 376 with leucine.
Molecular consequence: missense variant.
Genome position (GRCh38, 1-based): chr3:30,672,309, G>C. VCF-style: chr3-30672309-G-C. GRCh37 (hg19) VCF-style: chr3-30713801-G-C.
Other names: c.1201G>C, p.Val401Leu (NM_001024847.3); c.1309G>C, p.Val437Leu (NM_001407126.1); c.1234G>C, p.Val412Leu (NM_001407127.1); c.1153G>C, p.Val385Leu (NM_001407128.1); c.1129G>C, p.Val377Leu (NM_001407129.1); c.1126G>C, p.Val376Leu (NM_001407130.1); c.1021G>C, p.Val341Leu (NM_001407132.1, NM_001407133.1, NM_001407134.1 and 2 more transcripts); c.841G>C, p.Val281Leu (NM_001407137.1); and 1 more; short protein forms V376L, V401L, V281L, V437L, V341L, V377L, V256L, V385L.
Identifiers: ClinVar variation 855245 (VCV000855245.8), dbSNP rs755967723, ClinGen allele CA351808591.

ClinVar aggregate classification (germline): Uncertain significance. Review status: criteria provided, multiple submitters, no conflicts (2 of 4 stars). 2 submissions from 2 submitters: Uncertain significance (2). Last evaluated 2025-08-12.

Conditions:
Familial thoracic aortic aneurysm and aortic dissection (TAAD). Also called: Thoracic aortic aneurysms and dissections. Identifiers: Orphanet 91387, MedGen C4707243, MONDO:0019625.

Submissions (2):

Ambry Genetics
Classification: Uncertain significance for Familial thoracic aortic aneurysm and aortic dissection. Last evaluated: 2025-08-12. Review status: criteria provided, single submitter. Criteria: Ambry Variant Classification Scheme 2023. Collection method: clinical testing. Allele origin: germline.
Comment: The p.V376L variant (also known as c.1126G>C), located in coding exon 4 of the TGFBR2 gene, results from a G to C substitution at nucleotide position 1126. The valine at codon 376 is replaced by leucine, an amino acid with highly similar properties. This amino acid position is conserved. In addition, this alteration is predicted to be deleterious by in silico analysis. Based on the available evidence, the clinical significance of this variant remains unclear.

Labcorp Genetics (formerly Invitae), Labcorp
Classification: Uncertain significance for Familial thoracic aortic aneurysm and aortic dissection. Last evaluated: 2019-12-12. Review status: criteria provided, single submitter. Criteria: Invitae Variant Classification Sherloc (09022015). Collection method: clinical testing. Allele origin: germline.
Comment: This sequence change replaces valine with leucine at codon 376 of the TGFBR2 protein (p.Val376Leu). The valine residue is highly conserved and there is a small physicochemical difference between valine and leucine. This variant is not present in population databases (ExAC no frequency). This variant has not been reported in the literature in individuals with TGFBR2-related conditions. Algorithms developed to predict the effect of missense changes on protein structure and function (SIFT, PolyPhen-2, Align-GVGD) all suggest that this variant is likely to be disruptive, but these predictions have not been confirmed by published functional studies and their clinical significance is uncertain. In summary, the available evidence is currently insufficient to determine the role of this variant in disease. Therefore, it has been classified as a Variant of Uncertain Significance.